The following is an entry in ClinVar:

NM_000038.6(APC):c.8268_8270del (p.Ile2756_Val2757delinsMet)

Gene: APC (APC regulator of Wnt signaling pathway; plus strand). Cytogenetic location: 5q22.2.
Variant type: Deletion.
Coding change: c.8268_8270del on transcript NM_000038.6 (MANE Select); coding-DNA positions 8268 to 8270, 3 bases deleted (AGT; older notation c.8268_8270delAGT).
Protein change: p.Ile2756_Val2757delinsMet.
Molecular consequence: inframe indel.
Genome position (GRCh38, 1-based): chr5:112,843,862-112,843,864, AGT deleted; deleting any 3 consecutive bases within chr5:112,843,861-112,843,864 gives the same sequence; the c. name uses the placement nearest the transcript's 3' end. VCF-style (leftmost placement, unchanged base first): chr5-112843860-ATAG-A. GRCh37 (hg19) VCF-style: chr5-112179557-ATAG-A.
Other names: c.8268_8270del, p.Ile2756_Val2757delinsMet (NM_001127510.3, NM_001354895.2); c.8214_8216del, p.Ile2738_Val2739delinsMet (NM_001127511.3); c.8322_8324del, p.Ile2774_Val2775delinsMet (NM_001354896.2); c.8298_8300del, p.Ile2766_Val2767delinsMet (NM_001354897.2); c.8193_8195del, p.Ile2731_Val2732delinsMet (NM_001354898.2); c.8184_8186del, p.Ile2728_Val2729delinsMet (NM_001354899.2); c.8145_8147del, p.Ile2715_Val2716delinsMet (NM_001354900.2); c.8091_8093del, p.Ile2697_Val2698delinsMet (NM_001354901.2); and 5 more.
Identifiers: ClinVar variation 1510383 (VCV001510383.9), dbSNP rs2150002222, ClinGen allele CA2573138683.
Genomic context (GRCh38, chr5:112,843,860, plus strand): 5'-ACTGAGATAAAACCAGGACAAAATAATCCTGTCCCTGTATCAGAGACTAATGAAAGTTCT[ATAG>A]TGGAACGTACCCCATTCAGTTCTAGCAGCTCAAGCAAACACAGTTCACCTAGTGGGACTG-3'

ClinVar aggregate classification (germline): Uncertain significance. Review status: criteria provided, multiple submitters, no conflicts (2 of 4 stars). 3 submissions from 3 submitters: Uncertain significance (3). Last evaluated 2025-07-03.

Conditions:
Hereditary cancer-predisposing syndrome. Also called: Hereditary neoplastic syndrome; Neoplastic Syndromes, Hereditary; Tumor predisposition; Hereditary Cancer Syndrome. Identifiers: Orphanet 140162, MedGen C0027672, MeSH D009386, MONDO:0015356.
Familial adenomatous polyposis 1 (FAP1). Also called: FAMILIAL ADENOMATOUS POLYPOSIS 1, ATTENUATED; POLYPOSIS, ADENOMATOUS INTESTINAL. Identifiers: MedGen C2713442, MONDO:0021056, OMIM 175100. Disease mechanism: loss of function.

Submissions (3):

Color Diagnostics, LLC DBA Color Health
Classification: Uncertain significance for Hereditary cancer-predisposing syndrome. Last evaluated: 2025-07-03. Review status: criteria provided, single submitter. Criteria: ACMG Guidelines, 2015. Collection method: clinical testing. Allele origin: germline.
Comment: This variant replaces two amino acids at codons 2756-2757 with a methionine residue in exon 16 of the APC protein. To our knowledge, functional studies have not been reported for this variant. This variant has not been reported in individuals affected with APC-related disorders in the literature. This variant has not been identified in the general population by the Genome Aggregation Database (gnomAD). The available evidence is insufficient to determine the role of this variant in disease conclusively. Therefore, this variant is classified as a Variant of Uncertain Significance.

Labcorp Genetics (formerly Invitae), Labcorp
Classification: Uncertain significance for Familial adenomatous polyposis 1. Last evaluated: 2025-05-04. Review status: criteria provided, single submitter. Criteria: Invitae Variant Classification Sherloc (09022015). Collection method: clinical testing. Allele origin: germline.
Comment: This variant, c.8268_8270del, is a complex sequence change that results in the deletion of 2 and insertion of 1 amino acid(s) in the APC protein (p.Ile2756_Val2757delinsMet). This variant is not present in population databases (gnomAD no frequency). This variant has not been reported in the literature in individuals affected with APC-related conditions. ClinVar contains an entry for this variant (Variation ID: 1510383). Experimental studies and prediction algorithms are not available or were not evaluated, and the functional significance of this variant is currently unknown. In summary, the available evidence is currently insufficient to determine the role of this variant in disease. Therefore, it has been classified as a Variant of Uncertain Significance.

Ambry Genetics
Classification: Uncertain significance for Hereditary cancer-predisposing syndrome. Last evaluated: 2020-01-15. Review status: criteria provided, single submitter. Criteria: Ambry Variant Classification Scheme 2023. Collection method: clinical testing. Allele origin: germline.
Comment: The c.8268_8270delAGT variant (also known as p.I2756_V2757delinsM), located in coding exon 15 of the APC gene, results from an in-frame deletion of AGT at nucleotide positions 8268 to 8270. This results in the substitution of isoleucine and valine residues for a methionine residue at codon 2756 and 2757. These amino acid positions are poorly conserved in available vertebrate species. In addition, this alteration is predicted to be neutral by in silico analysis (Choi Y et al. PLoS ONE. 2012; 7(10):e46688). Since supporting evidence is limited at this time, the clinical significance of this alteration remains unclear.